The following is an entry in ClinVar:

NM_000136.3(FANCC):c.355_358del (p.Ser119fs)

Gene: FANCC (FA complementation group C; minus strand). Cytogenetic location: 9q22.32.
Variant type: Deletion.
Coding change: c.355_358del on transcript NM_000136.3 (MANE Select); coding-DNA positions 355 to 358, 4 bases deleted (TCTC; older notation c.355_358delTCTC).
Protein change: p.Ser119fs; shifts the reading frame from serine 119.
Molecular consequence: frameshift variant.
Genome position (GRCh38, 1-based): chr9:95,172,135-95,172,138, GAGA deleted on the plus strand (TCTC on the coding strand, the reverse complement: FANCC is on the minus strand). VCF-style (leftmost placement, unchanged base first): chr9-95172134-TGAGA-T. GRCh37 (hg19) VCF-style: chr9-97934416-TGAGA-T.
Other names: c.355_358del, p.Ser119fs (NM_001243743.2, NM_001243744.2); short protein forms S119fs.
Identifiers: ClinVar variation 1070636 (VCV001070636.5), dbSNP rs750003253, ClinGen allele CA5137755.

ClinVar aggregate classification (germline): Pathogenic. Review status: criteria provided, multiple submitters, no conflicts (2 of 4 stars). 2 submissions from 2 submitters: Pathogenic (2). Last evaluated 2025-05-28.

Conditions:
Fanconi anemia (FA). Also called: Fanconi's anemia. Identifiers: Orphanet 84, MedGen C0015625, MeSH D005199, MONDO:0019391.
Fanconi anemia complementation group C (FANCC). Also called: FANCONI PANCYTOPENIA, TYPE 3; FACC; FANCC-Related Fanconi Anemia; Fanconi anemia, group C. Identifiers: Orphanet 84, MedGen C3468041, MONDO:0009213, OMIM 227645.

Allele frequency attached by ClinVar (database versions not stated): gnomAD 0.00019 and 0.00017; gnomAD exomes 0.00002 and 0.00001; ExAC 0.00002; ESP Exome Variant Server 0.00040.

Submissions (2):

Myriad Genetics, Inc.
Classification: Pathogenic for Fanconi anemia complementation group C. Last evaluated: 2025-05-28. Review status: criteria provided, single submitter. Criteria: Myriad Autosomal Dominant, Autosomal Recessive and X-Linked Classification Criteria (2023). Collection method: clinical testing. Allele origin: unknown.
Comment: NM_000136.2(FANCC):c.355_358delTCTC(S119Ifs*24) is expected to be pathogenic in the context of Fanconi anemia, FANCC-related. This variant is predicted to lead to an abnormal or absent protein product due to the creation of a premature termination codon in FANCC, a gene where loss-of-function variants are known to be pathogenic. Please note: this variant was assessed in the context of healthy population screening.

Labcorp Genetics (formerly Invitae), Labcorp
Classification: Pathogenic for Fanconi anemia. Last evaluated: 2021-08-28. Review status: criteria provided, single submitter. Criteria: Invitae Variant Classification Sherloc (09022015). Collection method: clinical testing. Allele origin: germline.